The following is an entry in ClinVar:

ClinVar aggregate classification (germline): Likely pathogenic (1 of 4 stars; one submission).

Conditions:
Primary ciliary dyskinesia. Also called: Ciliary dyskinesia. Identifiers: Orphanet 244, MedGen C0008780, MONDO:0016575, HP:0012265.

Submission:

Labcorp Genetics (formerly Invitae), Labcorp
Classification: Likely pathogenic for Primary ciliary dyskinesia. Last evaluated: 2025-12-03. Review status: criteria provided, single submitter. Criteria: Invitae Variant Classification Sherloc (09022015). Collection method: clinical testing. Allele origin: germline.
Comment: This sequence change replaces glycine, which is neutral and non-polar, with aspartic acid, which is acidic and polar, at codon 272 of the RPGR protein (p.Gly272Asp). This variant is not present in population databases (gnomAD no frequency). This missense change has been observed in individual(s) with RPGR-related conditions (PMID: 21857984). Invitae Evidence Modeling of protein sequence and biophysical properties (such as structural, functional, and spatial information, amino acid conservation, physicochemical variation, residue mobility, and thermodynamic stability) indicates that this missense variant is expected to disrupt RPGR protein function with a positive predictive value of 95%. This variant disrupts the p.Gly272 amino acid residue in RPGR. Other variant(s) that disrupt this residue have been determined to be pathogenic (PMID: 8817343, 16969763, 17724181, 31456290). This suggests that this residue is clinically significant, and that variants that disrupt this residue are likely to be disease-causing. In summary, the currently available evidence indicates that the variant is pathogenic, but additional data are needed to prove that conclusively. Therefore, this variant has been classified as Likely Pathogenic.

Literature cited by the submitters: PubMed 21857984; PubMed 8817343; PubMed 16969763; PubMed 17724181; PubMed 31456290.

NM_001034853.2(RPGR):c.815G>A (p.Gly272Asp)

Gene: RPGR (retinitis pigmentosa GTPase regulator; minus strand). Cytogenetic location: Xp11.4.
Variant type: single nucleotide variant.
Coding change: c.815G>A on transcript NM_001034853.2 (MANE Select); coding-DNA position 815, G replaced by A.
Protein change: p.Gly272Asp; replaces glycine 272 with aspartic acid.
Molecular consequence: missense variant. On other transcripts: non-coding transcript variant (5).
Genome position (GRCh38, 1-based): chrX:38,304,754, C>T on the plus strand (G>A on the coding strand, the complement: RPGR is on the minus strand). VCF-style: chrX-38304754-C-T. GRCh37 (hg19) VCF-style: chrX-38164007-C-T.
Other names: c.815G>A, p.Gly272Asp (NM_000328.3, NM_001367246.1, NM_001367247.1 and 1 more transcripts); c.812G>A, p.Gly271Asp (NM_001367245.1, NM_001367249.1, NM_001367250.1); c.845G>A, p.Gly282Asp (NM_001367248.1); short protein forms G272D, G282D, G271D.
Identifiers: ClinVar variation 4710723 (VCV004710723.1).
Genomic context (GRCh38, chrX:38,304,754, plus strand): 5'-ATATTCTCAATGACTTTGGGTTCTGAAGTTTCAAAAAGAAAAGTGCCAAGACCCAGCTGA[C>T]CAAATTGTCCCAGCCCAAAGGTATACACAGCATTCTCTGAAAGGAAAGGGGCAAATACAA-3'
Protein context (NP_001030025.1, residues 262-282): AVYTFGLGQF[Gly272Asp]QLGLGTFLFE